The following is an entry in ClinVar:

ClinVar aggregate classification (germline): Uncertain significance. Review status: criteria provided, multiple submitters, no conflicts (2 of 4 stars). 2 submissions from 2 submitters: Uncertain significance (2). Last evaluated 2025-12-01.

Conditions:
Inborn genetic diseases. Identifiers: MedGen C0950123, MeSH D030342.

Submissions (2):

Labcorp Genetics (formerly Invitae), Labcorp
Classification: Uncertain significance. Last evaluated: 2025-12-01. Review status: criteria provided, single submitter. Criteria: Invitae Variant Classification Sherloc (09022015). Collection method: clinical testing. Allele origin: germline.
Comment: This sequence change replaces glutamine, which is neutral and polar, with histidine, which is basic and polar, at codon 453 of the TRIM8 protein (p.Gln453His). This variant is not present in population databases (gnomAD no frequency). This variant has not been reported in the literature in individuals affected with TRIM8-related conditions. ClinVar contains an entry for this variant (Variation ID: 3182830). An algorithm developed to predict the effect of missense changes on protein structure and function (PolyPhen-2) suggests that this variant is likely to be disruptive. In summary, the available evidence is currently insufficient to determine the role of this variant in disease. Therefore, it has been classified as a Variant of Uncertain Significance.

Ambry Genetics
Classification: Uncertain significance for Inborn genetic diseases. Last evaluated: 2023-12-27. Review status: criteria provided, single submitter. Criteria: Ambry Variant Classification Scheme 2023. Collection method: clinical testing. Allele origin: germline.

NM_030912.3(TRIM8):c.1359G>C (p.Gln453His)

Gene: TRIM8 (tripartite motif containing 8; plus strand). Cytogenetic location: 10q24.32.
Variant type: single nucleotide variant.
Coding change: c.1359G>C on transcript NM_030912.3 (MANE Select); coding-DNA position 1359, G replaced by C.
Protein change: p.Gln453His; replaces glutamine 453 with histidine.
Molecular consequence: missense variant. On other transcripts: non-coding transcript variant (1).
Genome position (GRCh38, 1-based): chr10:102,657,057, G>C. VCF-style: chr10-102657057-G-C. GRCh37 (hg19) VCF-style: chr10-104416814-G-C.
Other names: c.1263G>C, p.Gln421His (NM_001345950.1); short protein forms Q421H, Q453H.
Identifiers: ClinVar variation 3182830 (VCV003182830.2), dbSNP rs1564722701, ClinGen allele CA377932280.